The following is an entry in ClinVar:

NM_001135649.3(FOXI3):c.355T>G (p.Ser119Ala)

Gene: FOXI3 (forkhead box I3; minus strand). Cytogenetic location: 2p11.2.
Variant type: single nucleotide variant.
Coding change: c.355T>G on transcript NM_001135649.3 (MANE Select); coding-DNA position 355, T replaced by G.
Protein change: p.Ser119Ala; replaces serine 119 with alanine.
Molecular consequence: missense variant.
Genome position (GRCh38, 1-based): chr2:88,452,181, A>C on the plus strand (T>G on the coding strand, the complement: FOXI3 is on the minus strand). VCF-style: chr2-88452181-A-C. GRCh37 (hg19) VCF-style: chr2-88751700-A-C.
Other names: short protein forms S119A.
Identifiers: ClinVar variation 2195655 (VCV002195655.4), dbSNP rs1205992982, ClinGen allele CA347766527.
Genomic context (GRCh38, chr2:88,452,181, plus strand): 5'-CCTCGCGGCTGGCCATGGACAGCCAGCCCAGCTCCCCGGGCCCCGCGGGCGCGGCGGGCG[A>C]GGCGGGCGCGGCGGGCGCGGGCTGCGCGAAGGGCCGCTGAGAGCAGCCGAAGGTGCCGGC-3'
Protein context (NP_001129121.1, residues 109-129): FAQPAPAAPA[Ser119Ala]PAAPAGPGEL

ClinVar aggregate classification (germline): Uncertain significance (1 of 4 stars; one submission).

Allele frequency attached by ClinVar (database versions not stated): gnomAD exomes 0.00002; gnomAD 0.00006.
gnomAD v4.1: 30 of 1,272,744 alleles (0.0024%); highest among the groups gnomAD compares: African/African-American, 0.0079%; no homozygotes.

Submission:

Labcorp Genetics (formerly Invitae), Labcorp
Classification: Uncertain significance. Last evaluated: 2025-09-29. Review status: criteria provided, single submitter. Criteria: Invitae Variant Classification Sherloc (09022015). Collection method: clinical testing. Allele origin: germline.
Comment: This sequence change replaces serine, which is neutral and polar, with alanine, which is neutral and non-polar, at codon 119 of the FOXI3 protein (p.Ser119Ala). The frequency data for this variant in the population databases is considered unreliable, as metrics indicate poor data quality at this position in the gnomAD database. This variant has not been reported in the literature in individuals affected with FOXI3-related conditions. ClinVar contains an entry for this variant (Variation ID: 2195655). Experimental studies and prediction algorithms are not available or were not evaluated, and the functional significance of this variant is currently unknown. In summary, the available evidence is currently insufficient to determine the role of this variant in disease. Therefore, it has been classified as a Variant of Uncertain Significance.